The following is an entry in ClinVar:

NM_017841.4(SDHAF2):c.29del (p.Ser10fs)

Gene: SDHAF2 (succinate dehydrogenase complex assembly factor 2; plus strand). Cytogenetic location: 11q12.2.
Variant type: Deletion.
Coding change: c.29del on transcript NM_017841.4 (MANE Select); coding-DNA position 29, one base deleted (C; older notation c.29delC).
Protein change: p.Ser10fs; shifts the reading frame from serine 10.
Molecular consequence: frameshift variant.
Genome position (GRCh38, 1-based): chr11:61,430,175, C deleted. VCF-style (leftmost placement, unchanged base first): chr11-61430174-TC-T. GRCh37 (hg19) VCF-style: chr11-61197646-TC-T.
Other names: short protein forms S10fs.
Identifiers: ClinVar variation 822496 (VCV000822496.10), dbSNP rs1339037960, ClinGen allele CA678942901.

ClinVar aggregate classification (germline): Conflicting classifications of pathogenicity. Review status: criteria provided, conflicting classifications (1 of 4 stars). 3 submissions from 3 submitters: Pathogenic (2); Uncertain significance (1). Last evaluated 2026-05-14.

Conditions:
Hereditary pheochromocytoma and paraganglioma. Also called: Hereditary paragangliomas and pheochromocytomas; Hereditary pheochromocytoma-paraganglioma; Hereditary Paraganglioma-Pheochromocytoma Syndromes. Identifiers: Orphanet 29072, MedGen C4274332, MONDO:0017366.
Hereditary cancer-predisposing syndrome. Also called: Tumor predisposition; Hereditary Cancer Syndrome; Hereditary neoplastic syndrome; Neoplastic Syndromes, Hereditary. Identifiers: Orphanet 140162, MedGen C0027672, MeSH D009386, MONDO:0015356.
Pheochromocytoma/paraganglioma syndrome 2. Also called: SDHAF2-Related Hereditary Paraganglioma-Pheochromocytoma Syndrome; GLOMUS TUMORS, FAMILIAL, 2; Paragangliomas 2; SDHAF2-Related Hereditary Paraganglioma-Pheochromocytoma Syndrome (Paragangliomas 2). Identifiers: Orphanet 29072, MedGen C1866552, MONDO:0011121, OMIM 601650.

Allele frequency attached by ClinVar (database versions not stated): TOPMed 0.00002; gnomAD 0.00001.

Submissions (3):

Myriad Genetics, Inc.
Classification: Pathogenic for Pheochromocytoma/paraganglioma syndrome 2. Last evaluated: 2026-05-14. Review status: criteria provided, single submitter. Criteria: Myriad Autosomal Dominant, Autosomal Recessive and X-Linked Classification Criteria (2023). Collection method: clinical testing. Allele origin: unknown.
Comment: This variant is considered pathogenic. This variant creates a frameshift predicted to result in premature protein truncation.

Labcorp Genetics (formerly Invitae), Labcorp
Classification: Pathogenic for Hereditary pheochromocytoma and paraganglioma. Last evaluated: 2024-12-17. Review status: criteria provided, single submitter. Criteria: Invitae Variant Classification Sherloc (09022015). Collection method: clinical testing. Allele origin: germline.
Comment: This sequence change creates a premature translational stop signal (p.Ser10Cysfs*3) in the SDHAF2 gene. It is expected to result in an absent or disrupted protein product. Loss-of-function variants in SDHAF2 are known to be pathogenic (PMID: 22241717, 26096992). This variant is not present in population databases (gnomAD no frequency). This variant has not been reported in the literature in individuals affected with SDHAF2-related conditions. ClinVar contains an entry for this variant (Variation ID: 822496). For these reasons, this variant has been classified as Pathogenic.

Ambry Genetics
Classification: Uncertain significance for Hereditary cancer-predisposing syndrome. Last evaluated: 2024-02-19. Review status: criteria provided, single submitter. Criteria: Ambry Variant Classification Scheme 2023. Collection method: clinical testing. Allele origin: germline.
Comment: The c.29delC variant, located in coding exon 1 of the SDHAF2 gene, results from a deletion of one nucleotide at nucleotide position 29, causing a translational frameshift with a predicted alternate stop codon (p.S10Cfs*3). The predicted stop codon occurs in the 5&rsquo; end of theSDHAF2 gene. Premature termination codons in the 5&rsquo; end of a gene have been reported to escape nonsense-mediated mRNAdecay and/or lead to re-initiation (Rivas et al. Science. 2015 May 8;348(6235):666-9; Lindeboom et al. Nat Genet. 2016 Oct;48(10):1112-8; Rhee et al. Sci Rep. 2017 May 10;7(1):1653). There is an alternate in-frame methionine 12 amino acids from the initiation site, and the significance of the N-terminus for this protein is not well established. The exact functional effect of this alteration is unknown. Since supporting evidence is limited at this time, the clinical significance of this alteration remains unclear.

Literature cited by the submitters: PubMed 22241717 (cited by Labcorp Genetics (formerly Invitae), Labcorp); PubMed 26096992 (cited by Labcorp Genetics (formerly Invitae), Labcorp).